The following is an entry in ClinVar:

NM_002693.3(POLG):c.3325_3328del (p.Leu1109fs)

Gene: POLG (DNA polymerase gamma, catalytic subunit; minus strand). Cytogenetic location: 15q26.1.
Variant type: Deletion.
Coding change: c.3325_3328del on transcript NM_002693.3 (MANE Select); coding-DNA positions 3325 to 3328, 4 bases deleted (TTAC; older notation c.3325_3328delTTAC).
Protein change: p.Leu1109fs; shifts the reading frame from leucine 1109.
Molecular consequence: frameshift variant.
Genome position (GRCh38, 1-based): chr15:89,318,695-89,318,698, GTAA deleted on the plus strand (TTAC on the coding strand, the reverse complement: POLG is on the minus strand); deleting any 4 consecutive bases within chr15:89,318,695-89,318,701 gives the same sequence; the c. name uses the placement nearest the transcript's 3' end. VCF-style (leftmost placement, unchanged base first): chr15-89318694-TGTAA-T. GRCh37 (hg19) VCF-style: chr15-89861925-TGTAA-T.
Other names: c.3325_3328del, p.Leu1109fs (NM_001126131.2); short protein forms L1109fs.
Identifiers: ClinVar variation 1457717 (VCV001457717.6), dbSNP rs1442498340, ClinGen allele CA619857363.

ClinVar aggregate classification (germline): Pathogenic (1 of 4 stars; one submission).

Conditions:
Progressive sclerosing poliodystrophy (MTDPS4A). Also called: Mitochondrial DNA depletion syndrome 4A (Alpers type); ALPERS PROGRESSIVE INFANTILE POLIODYSTROPHY; NEURONAL DEGENERATION OF CHILDHOOD WITH LIVER DISEASE, PROGRESSIVE; Mitochondrial DNA Depletion Syndrome 4A; Alpers-Huttenlocher Syndrome (AHS); Alpers Syndrome. Identifiers: Orphanet 726, MedGen C0205710, MONDO:0008758, OMIM 203700.

Submission:

Labcorp Genetics (formerly Invitae), Labcorp
Classification: Pathogenic for Progressive sclerosing poliodystrophy. Last evaluated: 2021-07-21. Review status: criteria provided, single submitter. Criteria: Invitae Variant Classification Sherloc (09022015). Collection method: clinical testing. Allele origin: germline.
Comment: For these reasons, this variant has been classified as Pathogenic. This sequence change creates a premature translational stop signal (p.Leu1109Thrfs*7) in the POLG gene. It is expected to result in an absent or disrupted protein product. Loss-of-function variants in POLG are known to be pathogenic (PMID: 18546365). This variant is not present in population databases (ExAC no frequency). This variant has not been reported in the literature in individuals with POLG-related conditions.

Literature cited by the submitters: PubMed 18546365.